The following is an entry in ClinVar:

ClinVar aggregate classification (germline): Pathogenic (1 of 4 stars; one submission).

Conditions:
Hereditary cancer-predisposing syndrome. Also called: Neoplastic Syndromes, Hereditary; Tumor predisposition; Hereditary Cancer Syndrome; Hereditary neoplastic syndrome. Identifiers: Orphanet 140162, MedGen C0027672, MeSH D009386, MONDO:0015356.

Submission:

Ambry Genetics
Classification: Pathogenic for Hereditary cancer-predisposing syndrome. Last evaluated: 2025-08-04. Review status: criteria provided, single submitter. Criteria: Ambry Variant Classification Scheme 2023. Collection method: clinical testing. Allele origin: germline.
Comment: The c.797delA pathogenic mutation, located in coding exon 6 of the STK11 gene, results from a deletion of one nucleotide at nucleotide position 797, causing a translational frameshift with a predicted alternate stop codon (p.N266Tfs*21). This variant is considered to be rare based on population cohorts in the Genome Aggregation Database (gnomAD). This alteration is expected to result in loss of function by premature protein truncation or nonsense-mediated mRNA decay. As such, this alteration is interpreted as a disease-causing mutation.

NM_000455.5(STK11):c.797del (p.Asn266fs)

Gene: STK11 (serine/threonine kinase 11; plus strand). Cytogenetic location: 19p13.3.
Variant type: Deletion.
Coding change: c.797del on transcript NM_000455.5 (MANE Select); coding-DNA position 797, one base deleted (A; older notation c.797delA).
Protein change: p.Asn266fs; shifts the reading frame from asparagine 266.
Molecular consequence: frameshift variant. On other transcripts: non-coding transcript variant (1).
Genome position (GRCh38, 1-based): chr19:1,221,275, A deleted; the last of 2 consecutive A bases (chr19:1,221,274-1,221,275); deleting either gives the same sequence. VCF-style (leftmost placement, unchanged base first): chr19-1221273-GA-G. GRCh37 (hg19) VCF-style: chr19-1221272-GA-G.
Other names: c.797del, p.Asn266fs (NM_001407255.1); short protein forms N266fs.
Identifiers: ClinVar variation 4176613 (VCV004176613.1).
Genomic context (GRCh38, chr19:1,221,273, plus strand): 5'-CTACAACATCACCACGGGTCTGTACCCCTTCGAAGGGGACAACATCTACAAGTTGTTTGA[GA>G]ACATCGGGAAGGGGAGCTACGCCATCCCGGGCGACTGTGGCCCCCCGCTCTCTGACCTGC-3'